The following is an entry in ClinVar:

NM_000361.3(THBD):c.943C>T (p.Arg315Trp)

Gene: THBD (thrombomodulin; minus strand). Cytogenetic location: 20p11.21.
Variant type: single nucleotide variant.
Coding change: c.943C>T on transcript NM_000361.3 (MANE Select); coding-DNA position 943, C replaced by T.
Protein change: p.Arg315Trp; replaces arginine 315 with tryptophan.
Molecular consequence: missense variant.
Genome position (GRCh38, 1-based): chr20:23,048,562, G>A on the plus strand (C>T on the coding strand, the complement: THBD is on the minus strand). VCF-style: chr20-23048562-G-A. GRCh37 (hg19) VCF-style: chr20-23029199-G-A.
Other names: short protein forms R315W.
Identifiers: ClinVar variation 872201 (VCV000872201.48), dbSNP rs996281789, ClinGen allele CA313551273.

ClinVar aggregate classification (germline): Conflicting classifications of pathogenicity. Review status: criteria provided, conflicting classifications (1 of 4 stars). 4 submissions from 4 submitters: Uncertain significance (3); Likely benign (1). Last evaluated 2025-01-18.

Conditions:
Inborn genetic diseases. Identifiers: MedGen C0950123, MeSH D030342.

Allele frequency attached by ClinVar (database versions not stated): gnomAD 0.00001; TOPMed 0.00001; gnomAD exomes 0.00002.
gnomAD v4.1: 17 of 1,599,978 alleles (0.0011%); highest among the groups gnomAD compares: African/African-American, 0.0053%; no homozygotes.

Submissions (4):

Ambry Genetics
Classification: Likely benign for Inborn genetic diseases. Last evaluated: 2025-01-18. Review status: criteria provided, single submitter. Criteria: Ambry Variant Classification Scheme 2023. Collection method: clinical testing. Allele origin: germline.

Labcorp Genetics (formerly Invitae), Labcorp
Classification: Uncertain significance. Last evaluated: 2024-11-05. Review status: criteria provided, single submitter. Criteria: Invitae Variant Classification Sherloc (09022015). Collection method: clinical testing. Allele origin: germline.
Comment: This sequence change replaces arginine, which is basic and polar, with tryptophan, which is neutral and slightly polar, at codon 315 of the THBD protein (p.Arg315Trp). The frequency data for this variant in the population databases is considered unreliable, as metrics indicate poor data quality at this position in the gnomAD database. This variant has not been reported in the literature in individuals affected with THBD-related conditions. ClinVar contains an entry for this variant (Variation ID: 872201). Invitae Evidence Modeling of protein sequence and biophysical properties (such as structural, functional, and spatial information, amino acid conservation, physicochemical variation, residue mobility, and thermodynamic stability) indicates that this missense variant is not expected to disrupt THBD protein function with a negative predictive value of 80%. In summary, the available evidence is currently insufficient to determine the role of this variant in disease. Therefore, it has been classified as a Variant of Uncertain Significance.

CeGaT Center for Human Genetics Tuebingen
Classification: Uncertain significance. Last evaluated: 2019-09-01. Review status: criteria provided, single submitter. Criteria: CeGaT Center For Human Genetics Tuebingen Variant Classification Criteria Version 2. Collection method: clinical testing. Allele origin: germline. Affected: yes. Observed: 1 variant allele.

GeneDx
Classification: Uncertain significance. Last evaluated: 2019-06-26. Review status: criteria provided, single submitter. Criteria: GeneDx Variant Classification Process June 2021. Collection method: clinical testing. Allele origin: germline. Affected: yes.
Comment: In silico analysis, which includes protein predictors and evolutionary conservation, supports a deleterious effect; Has not been previously published as pathogenic or benign to our knowledge